The following is an entry in ClinVar:

NM_001305581.2(LRMDA):c.620G>A (p.Arg207His)

Gene: LRMDA (leucine rich melanocyte differentiation associated; plus strand). Cytogenetic location: 10q22.3.
Variant type: single nucleotide variant.
Coding change: c.620G>A on transcript NM_001305581.2 (MANE Select); coding-DNA position 620, G replaced by A.
Protein change: p.Arg207His; replaces arginine 207 with histidine.
Molecular consequence: missense variant. On other transcripts: non-coding transcript variant (1).
Genome position (GRCh38, 1-based): chr10:76,557,227, G>A. VCF-style: chr10-76557227-G-A. GRCh37 (hg19) VCF-style: chr10-78316985-G-A.
Other names: c.536G>A, p.Arg179His (NM_032024.5); short protein forms R179H, R207H.
Identifiers: ClinVar variation 1681438 (VCV001681438.6), dbSNP rs767777499, ClinGen allele CA5567699.

ClinVar aggregate classification (germline): Uncertain significance. Review status: criteria provided, multiple submitters, no conflicts (2 of 4 stars). 2 submissions from 2 submitters: Uncertain significance (2). Last evaluated 2023-06-05.

Allele frequency attached by ClinVar (database versions not stated): ExAC 0.00002; gnomAD 0.00003 and 0.00004; gnomAD exomes 0.00003 and 0.00006; TOPMed 0.00009.
gnomAD v4.1: 96 of 1,613,918 alleles (0.0059%); highest among the groups gnomAD compares: Non-Finnish European, 0.007%; no homozygotes.

Submissions (2):

Blueprint Genetics
Classification: Uncertain significance. Last evaluated: 2023-06-05. Review status: criteria provided, single submitter. Criteria: ACMG Guidelines, 2015. Collection method: clinical testing. Allele origin: germline.

Labcorp Genetics (formerly Invitae), Labcorp
Classification: Uncertain significance. Last evaluated: 2022-07-27. Review status: criteria provided, single submitter. Criteria: Invitae Variant Classification Sherloc (09022015). Collection method: clinical testing. Allele origin: germline.
Comment: This sequence change replaces arginine, which is basic and polar, with histidine, which is basic and polar, at codon 179 of the C10orf11 protein (p.Arg179His). In summary, the available evidence is currently insufficient to determine the role of this variant in disease. Therefore, it has been classified as a Variant of Uncertain Significance. Algorithms developed to predict the effect of missense changes on protein structure and function output the following: SIFT: "Deleterious"; PolyPhen-2: "Benign"; Align-GVGD: "Class C0". The histidine amino acid residue is found in multiple mammalian species, which suggests that this missense change does not adversely affect protein function. ClinVar contains an entry for this variant (Variation ID: 1681438). This variant has not been reported in the literature in individuals affected with C10orf11-related conditions. This variant is present in population databases (rs767777499, gnomAD 0.005%).